The following is an entry in ClinVar:

NM_015656.2(KIF26A):c.5148C>T (p.Pro1716=)

Gene: KIF26A (kinesin family member 26A; plus strand). Cytogenetic location: 14q32.33.
Variant type: single nucleotide variant.
Coding change: c.5148C>T on transcript NM_015656.2 (MANE Select); coding-DNA position 5148, C replaced by T.
Protein change: p.Pro1716=; no amino-acid change (proline 1716 retained).
Molecular consequence: synonymous variant.
Genome position (GRCh38, 1-based): chr14:104,178,587, C>T. VCF-style: chr14-104178587-C-T. GRCh37 (hg19) VCF-style: chr14-104644924-C-T.
Identifiers: ClinVar variation 2644612 (VCV002644612.24), dbSNP rs553464129, ClinGen allele CA7371509.

ClinVar aggregate classification (germline): Likely benign (1 of 4 stars; one submission).

Allele frequency attached by ClinVar (database versions not stated): 1000 Genomes Project 0.00040; 1000 Genomes Project 30x 0.00047.
gnomAD v4.1: 573 of 1,523,368 alleles (0.038%); highest among the groups gnomAD compares: Non-Finnish European, 0.043%; 1 homozygote.

Submission:

CeGaT Center for Human Genetics Tuebingen
Classification: Likely benign. Last evaluated: 2023-02-01. Review status: criteria provided, single submitter. Criteria: CeGaT Center For Human Genetics Tuebingen Variant Classification Criteria Version 2. Collection method: clinical testing. Allele origin: germline. Affected: yes. Observed: 1 variant allele.
Comment: KIF26A: BP4, BP7